The following is an entry in ClinVar:

NM_001142966.3(GREB1L):c.901G>C (p.Gly301Arg)

Genes: GREB1L (GREB1 like retinoic acid receptor coactivator; plus strand), GREB1L-AS1 (GREB1L antisense RNA 1; minus strand). Cytogenetic location: 18q11.1.
Variant type: single nucleotide variant.
Coding change: c.901G>C on transcript NM_001142966.3 (MANE Select); coding-DNA position 901, G replaced by C.
Protein change: p.Gly301Arg; replaces glycine 301 with arginine.
Molecular consequence: missense variant.
Genome position (GRCh38, 1-based): chr18:21,439,589, G>C. VCF-style: chr18-21439589-G-C. GRCh37 (hg19) VCF-style: chr18-19019550-G-C.
Other names: c.1030G>C, p.Gly344Arg (NM_001410867.1); c.901G>C, p.Gly301Arg (NM_001410868.1); short protein forms G344R, G301R.
Identifiers: ClinVar variation 2802807 (VCV002802807.3), dbSNP rs2511344279, ClinGen allele CA401798602.

ClinVar aggregate classification (germline): Uncertain significance (1 of 4 stars; one submission).

Submission:

Labcorp Genetics (formerly Invitae), Labcorp
Classification: Uncertain significance. Last evaluated: 2022-12-14. Review status: criteria provided, single submitter. Criteria: Invitae Variant Classification Sherloc (09022015). Collection method: clinical testing. Allele origin: germline.
Comment: This sequence change replaces glycine, which is neutral and non-polar, with arginine, which is basic and polar, at codon 301 of the GREB1L protein (p.Gly301Arg). This variant is not present in population databases (gnomAD no frequency). This variant has not been reported in the literature in individuals affected with GREB1L-related conditions. Algorithms developed to predict the effect of missense changes on protein structure and function are either unavailable or do not agree on the potential impact of this missense change (SIFT: "Not Available"; PolyPhen-2: "Benign"; Align-GVGD: "Not Available"). In summary, the available evidence is currently insufficient to determine the role of this variant in disease. Therefore, it has been classified as a Variant of Uncertain Significance.